The following is an entry in ClinVar:

NM_032043.3(BRIP1):c.1731_1733del (p.Lys578del)

Gene: BRIP1 (BRCA1 interacting DNA helicase 1; minus strand). Cytogenetic location: 17q23.2.
Variant type: Deletion.
Coding change: c.1731_1733del on transcript NM_032043.3 (MANE Select); coding-DNA positions 1731 to 1733, 3 bases deleted (GAA; older notation c.1731_1733delGAA).
Protein change: p.Lys578del; deletes lysine 578.
Molecular consequence: inframe deletion.
Genome position (GRCh38, 1-based): chr17:61,780,901-61,780,903, TTC deleted on the plus strand (GAA on the coding strand, the reverse complement: BRIP1 is on the minus strand); deleting any 3 consecutive bases within chr17:61,780,901-61,780,905 gives the same sequence; the c. name uses the placement nearest the transcript's 3' end. VCF-style (leftmost placement, unchanged base first): chr17-61780900-TTTC-T. GRCh37 (hg19) VCF-style: chr17-59858261-TTTC-T.
Other names: c.1731_1733delGAA (NM_032043.2); short protein forms K578del.
Identifiers: ClinVar variation 919816 (VCV000919816.16), dbSNP rs1355330975, ClinGen allele CA773808060.

ClinVar aggregate classification (germline): Uncertain significance. Review status: criteria provided, multiple submitters, no conflicts (2 of 4 stars). 4 submissions from 4 submitters: Uncertain significance (4). Last evaluated 2025-12-09.

Conditions:
Familial cancer of breast. Also called: hereditary breast carcinoma; BREAST CANCER, FAMILIAL; Hereditary breast cancer. Identifiers: Orphanet 227535, MedGen C0346153, MONDO:0016419, OMIM 114480. Disease mechanism: loss of function.
Fanconi anemia complementation group J. Also called: BRIP1-Related Fanconi Anemia. Identifiers: Orphanet 84, MedGen C1836860, MONDO:0012187, OMIM 609054.
Hereditary cancer-predisposing syndrome. Also called: Hereditary Cancer Syndrome; Hereditary neoplastic syndrome; Neoplastic Syndromes, Hereditary; Tumor predisposition. Identifiers: Orphanet 140162, MedGen C0027672, MeSH D009386, MONDO:0015356.

Submissions (4):

Ambry Genetics
Classification: Uncertain significance for Hereditary cancer-predisposing syndrome. Last evaluated: 2025-12-09. Review status: criteria provided, single submitter. Criteria: Ambry Variant Classification Scheme 2023. Collection method: clinical testing. Allele origin: germline.
Comment: The c.1731_1733delGAA variant (also known as p.K578del) is located in coding exon 11 of the BRIP1 gene. This variant results from an in-frame GAA deletion at nucleotide positions 1731 to 1733. This results in the in-frame deletion of a lysine at codon 578. This amino acid position is not well conserved in available vertebrate species. In addition, the in silico prediction for this variant is inconclusive (Choi Y et al. PLoS ONE. 2012; 7(10):e46688). Based on the available evidence, the clinical significance of this variant remains unclear.

Labcorp Genetics (formerly Invitae), Labcorp
Classification: Uncertain significance for Familial cancer of breast; Fanconi anemia complementation group J. Last evaluated: 2025-09-14. Review status: criteria provided, single submitter. Criteria: Invitae Variant Classification Sherloc (09022015). Collection method: clinical testing. Allele origin: germline.
Comment: This variant, c.1731_1733del, results in the deletion of 1 amino acid(s) of the BRIP1 protein (p.Lys578del), but otherwise preserves the integrity of the reading frame. This variant is not present in population databases (gnomAD no frequency). This variant has not been reported in the literature in individuals affected with BRIP1-related conditions. ClinVar contains an entry for this variant (Variation ID: 919816). Experimental studies and prediction algorithms are not available or were not evaluated, and the functional significance of this variant is currently unknown. In summary, the available evidence is currently insufficient to determine the role of this variant in disease. Therefore, it has been classified as a Variant of Uncertain Significance.

Color Diagnostics, LLC DBA Color Health
Classification: Uncertain significance for Hereditary cancer-predisposing syndrome. Last evaluated: 2025-07-21. Review status: criteria provided, single submitter. Criteria: ACMG Guidelines, 2015. Collection method: clinical testing. Allele origin: germline.
Comment: This variant causes an in-frame deletion of 1 amino acid in exon 12 of the BRIP1 protein. To our knowledge, functional studies have not been reported for this variant. This variant has not been reported in individuals affected with BRIP1-related disorders in the literature. This variant has not been identified in the general population by the Genome Aggregation Database (gnomAD). The available evidence is insufficient to determine the role of this variant in disease conclusively. Therefore, this variant is classified as a Variant of Uncertain Significance.

GeneDx
Classification: Uncertain significance. Last evaluated: 2023-12-05. Review status: criteria provided, single submitter. Criteria: GeneDx Variant Classification Process June 2021. Collection method: clinical testing. Allele origin: germline. Affected: yes.
Comment: Not observed at significant frequency in large population cohorts (gnomAD); In-frame deletion of 1 amino acid in a non-repeat region; In silico analysis supports a deleterious effect on protein structure/function; Observed in 0/1229 biliary tract cancer cases and in at least 1/37583 controls (PMID: 36243179); This variant is associated with the following publications: (PMID: 36243179)